The following is an entry in ClinVar:

NM_003331.5(TYK2):c.1292G>A (p.Ser431Asn)

Gene: TYK2 (tyrosine kinase 2; minus strand). Cytogenetic location: 19p13.2.
Variant type: single nucleotide variant.
Coding change: c.1292G>A on transcript NM_003331.5 (MANE Select); coding-DNA position 1292, G replaced by A.
Protein change: p.Ser431Asn; replaces serine 431 with asparagine.
Molecular consequence: missense variant.
Genome position (GRCh38, 1-based): chr19:10,364,689, C>T on the plus strand (G>A on the coding strand, the complement: TYK2 is on the minus strand). VCF-style: chr19-10364689-C-T. GRCh37 (hg19) VCF-style: chr19-10475365-C-T.
Other names: c.1292G>A, p.Ser431Asn (NM_001385197.1, NM_001385198.1, NM_001385199.1 and 6 more transcripts); c.1094G>A, p.Ser365Asn (NM_001385201.1); c.1202G>A, p.Ser401Asn (NM_001385205.1); short protein forms S365N, S401N, S431N.
Identifiers: ClinVar variation 1377622 (VCV001377622.4), dbSNP rs1270833514, ClinGen allele CA404012583.

ClinVar aggregate classification (germline): Uncertain significance (1 of 4 stars; one submission).

Conditions:
Immunodeficiency 35 (IMD35). Also called: TYK2 DEFICIENCY; Susceptibility to infection due to TYK2 deficiency; HIES WITH ATYPICAL MYCOBACTERIOSIS, AUTOSOMAL RECESSIVE; HYPER-IgE SYNDROME WITH ATYPICAL MYCOBACTERIOSIS, AUTOSOMAL RECESSIVE. Identifiers: Orphanet 331226, MedGen C1969086, MONDO:0012682, OMIM 611521.

Allele frequency attached by ClinVar (database versions not stated): TOPMed below 0.00001; gnomAD 0.00001.
gnomAD v4.1: 4 of 1,613,700 alleles (0.00025%); highest among the groups gnomAD compares: African/African-American, 0.0027%; no homozygotes.

Submission:

Labcorp Genetics (formerly Invitae), Labcorp
Classification: Uncertain significance for Immunodeficiency 35. Last evaluated: 2021-08-26. Review status: criteria provided, single submitter. Criteria: Invitae Variant Classification Sherloc (09022015). Collection method: clinical testing. Allele origin: germline.
Comment: This sequence change replaces serine with asparagine at codon 431 of the TYK2 protein (p.Ser431Asn). The serine residue is moderately conserved and there is a small physicochemical difference between serine and asparagine. This variant is not present in population databases (ExAC no frequency). This variant has not been reported in the literature in individuals affected with TYK2-related conditions. Algorithms developed to predict the effect of missense changes on protein structure and function output the following: SIFT: "Not Available"; PolyPhen-2: "Benign"; Align-GVGD: "Not Available". The asparagine amino acid residue is found in multiple mammalian species, which suggests that this missense change does not adversely affect protein function. In summary, the available evidence is currently insufficient to determine the role of this variant in disease. Therefore, it has been classified as a Variant of Uncertain Significance.